The following is an entry in ClinVar:

ClinVar aggregate classification (germline): Uncertain significance (1 of 4 stars; one submission).

Conditions:
Inborn genetic diseases. Identifiers: MedGen C0950123, MeSH D030342.

Submission:

Ambry Genetics
Classification: Uncertain significance for Inborn genetic diseases. Last evaluated: 2025-07-03. Review status: criteria provided, single submitter. Criteria: Ambry Variant Classification Scheme 2023. Collection method: clinical testing. Allele origin: germline.
Comment: The p.L281P variant (also known as c.842T>C), located in coding exon 7 of the PAX5 gene, results from a T to C substitution at nucleotide position 842. The leucine at codon 281 is replaced by proline, an amino acid with similar properties. This amino acid position is conserved. In addition, this alteration is predicted to be deleterious by in silico analysis. Based on the available evidence, the clinical significance of this variant remains unclear.

NM_016734.3(PAX5):c.842T>C (p.Leu281Pro)

Gene: PAX5 (paired box 5; minus strand). Cytogenetic location: 9p13.2.
Variant type: single nucleotide variant.
Coding change: c.842T>C on transcript NM_016734.3 (MANE Select); coding-DNA position 842, T replaced by C.
Protein change: p.Leu281Pro; replaces leucine 281 with proline.
Molecular consequence: missense variant. On other transcripts: intron variant (2).
Genome position (GRCh38, 1-based): chr9:36,923,423, A>G on the plus strand (T>C on the coding strand, the complement: PAX5 is on the minus strand). VCF-style: chr9-36923423-A-G. GRCh37 (hg19) VCF-style: chr9-36923420-A-G.
Other names: c.842T>C, p.Leu281Pro (NM_001280547.2, NM_001280548.2, NM_001280552.2); c.518T>C, p.Leu173Pro (NM_001280551.2, NM_001280556.2); c.713T>C, p.Leu238Pro (NM_001280553.2, NM_001280554.2); c.644T>C, p.Leu215Pro (NM_001280555.2); c.780+43126T>C (NM_001280550.2, NM_001280549.2); short protein forms L215P, L238P, L173P, L281P.
Identifiers: ClinVar variation 4131405 (VCV004131405.1).
Genomic context (GRCh38, chr9:36,923,423, plus strand): 5'-ATGGGGTAGGACTGCGGGCCTGGCACACTGCTCCCGATGTCAGCAGGGGTGGGGCTGGCC[A>G]GATTGGCCTTCATGTCGTCCAGCCCACCAGCCAGCGAGGCCATGGCTGAATACTCTGTGG-3'
Protein context (NP_057953.1, residues 271-291): AGGLDDMKAN[Leu281Pro]ASPTPADIGS